The following is an entry in ClinVar:

NM_133459.4(CCBE1):c.1049C>T (p.Thr350Ile)

Gene: CCBE1 (collagen and calcium binding EGF domains 1; minus strand). Cytogenetic location: 18q21.32.
Variant type: single nucleotide variant.
Coding change: c.1049C>T on transcript NM_133459.4 (MANE Select); coding-DNA position 1049, C replaced by T.
Protein change: p.Thr350Ile; replaces threonine 350 with isoleucine.
Molecular consequence: missense variant.
Genome position (GRCh38, 1-based): chr18:59,436,080, G>A on the plus strand (C>T on the coding strand, the complement: CCBE1 is on the minus strand). VCF-style: chr18-59436080-G-A. GRCh37 (hg19) VCF-style: chr18-57103312-G-A.
Other names: short protein forms T350I.
Identifiers: ClinVar variation 1716175 (VCV001716175.5), dbSNP rs746198632, ClinGen allele CA8980190.

ClinVar aggregate classification (germline): Uncertain significance (1 of 4 stars; one submission).

Allele frequency attached by ClinVar (database versions not stated): gnomAD exomes below 0.00001; ExAC 0.00001.
gnomAD v4.1: 3 of 1,614,224 alleles (0.00019%); highest among the groups gnomAD compares: Middle Eastern, 0.016%; no homozygotes.

Submission:

Labcorp Genetics (formerly Invitae), Labcorp
Classification: Uncertain significance. Last evaluated: 2022-08-12. Review status: criteria provided, single submitter. Criteria: Invitae Variant Classification Sherloc (09022015). Collection method: clinical testing. Allele origin: germline.
Comment: This sequence change replaces threonine, which is neutral and polar, with isoleucine, which is neutral and non-polar, at codon 350 of the CCBE1 protein (p.Thr350Ile). In summary, the available evidence is currently insufficient to determine the role of this variant in disease. Therefore, it has been classified as a Variant of Uncertain Significance. Algorithms developed to predict the effect of missense changes on protein structure and function (SIFT, PolyPhen-2, Align-GVGD) all suggest that this variant is likely to be tolerated. This variant has not been reported in the literature in individuals affected with CCBE1-related conditions. This variant is present in population databases (rs746198632, gnomAD 0.0009%).